The following is an entry in ClinVar:

ClinVar aggregate classification (germline): Likely pathogenic (1 of 4 stars; one submission).

Submission:

GeneDx
Classification: Likely pathogenic. Last evaluated: 2016-12-20. Review status: criteria provided, single submitter. Criteria: GeneDx Variant Classification (06012015). Collection method: clinical testing. Allele origin: germline. Affected: yes.
Comment: The c.9537_9541delATTGA variant in the SACS gene has not been reported previously as a pathogenic variant nor as a benign variant, to our knowledge. The c.9537_9541delATTGA variant causes a frameshift starting with codon Glutamic acid 3179, changes this amino acid to an Aspartic acid residue, and creates a premature Stop codon at position 17 of the new reading frame, denoted p.Glu3179AspfsX17. This variant replaces the last 1401 amino acids by 16 incorrect residues and is predicted to cause loss of normal protein function through protein truncation. Additionally, protein truncating pathogenic variants downstream of this variant have been reported in the Human Gene Mutation Database in association with SACS-related disorders (Stenson et al., 2014), supporting the pathogenicity of more upstream truncating variants. The c.9537_9541delATTGA variant was not observed in approximately 6500 individuals of European and African American ancestry in the NHLBI Exome Sequencing Project, indicating it is not a common benign variant in these populations. We interpret c.9537_9541delATTGA as a likely pathogenic variant.

NM_014363.6(SACS):c.9537_9541del (p.Glu3179fs)

Gene: SACS (sacsin molecular chaperone; minus strand). Cytogenetic location: 13q12.12.
Variant type: Deletion.
Coding change: c.9537_9541del on transcript NM_014363.6 (MANE Select); coding-DNA positions 9537 to 9541, 5 bases deleted (ATTGA; older notation c.9537_9541delATTGA).
Protein change: p.Glu3179fs; shifts the reading frame from glutamic acid 3179.
Molecular consequence: frameshift variant.
Genome position (GRCh38, 1-based): chr13:23,334,335-23,334,339, TCAAT deleted on the plus strand (ATTGA on the coding strand, the reverse complement: SACS is on the minus strand); deleting any 5 consecutive bases within chr13:23,334,335-23,334,342 gives the same sequence; the c. name uses the placement nearest the transcript's 3' end. VCF-style (leftmost placement, unchanged base first): chr13-23334334-ATCAAT-A. GRCh37 (hg19) VCF-style: chr13-23908473-ATCAAT-A.
Other names: c.9096_9100del, p.Glu3032fs (NM_001278055.2); short protein forms E3032fs, E3179fs.
Identifiers: ClinVar variation 422924 (VCV000422924.2), dbSNP rs1064796097, ClinGen allele CA16619618.